The following is an entry in ClinVar:

NM_000179.3(MSH6):c.2701dup (p.Arg901fs)

Gene: MSH6 (mutS homolog 6; plus strand). Cytogenetic location: 2p16.3.
Variant type: Duplication.
Coding change: c.2701dup on transcript NM_000179.3 (MANE Select); coding-DNA position 2701, one base duplicated (C; older notation c.2701dupC).
Protein change: p.Arg901fs; shifts the reading frame from arginine 901.
Molecular consequence: frameshift variant.
Genome position (GRCh38, 1-based): chr2:47,800,684, C duplicated. VCF-style (leftmost placement, unchanged base first): chr2-47800683-T-TC. GRCh37 (hg19) VCF-style: chr2-48027822-T-TC.
Other names: c.2311dup, p.Arg771fs (NM_001281492.2); c.1795dup, p.Arg599fs (NM_001281493.2, NM_001281494.2); short protein forms R901fs, R599fs, R771fs.
Identifiers: ClinVar variation 1432524 (VCV001432524.6), dbSNP rs2104419943, ClinGen allele CA2573135015.
Genomic context (GRCh38, chr2:47,800,683, plus strand): 5'-TGGTTTTAAGTCTAAAATCCTTAAGCAGGTCATCTCTCTGCAGACAAAAAATCCTGAAGG[T>TC]CGTTTTCCTGATTTGACTGTAGAATTGAACCGATGGGATACAGCCTTTGACCATGAAAAG-3'

ClinVar aggregate classification (germline): Pathogenic (1 of 4 stars; one submission).

Conditions:
Hereditary nonpolyposis colorectal neoplasms. Identifiers: MedGen C0009405, MeSH D003123.

Submission:

Labcorp Genetics (formerly Invitae), Labcorp
Classification: Pathogenic for Hereditary nonpolyposis colorectal neoplasms. Last evaluated: 2021-04-24. Review status: criteria provided, single submitter. Criteria: Invitae Variant Classification Sherloc (09022015). Collection method: clinical testing. Allele origin: germline.
Comment: This sequence change creates a premature translational stop signal (p.Arg901Profs*4) in the MSH6 gene. It is expected to result in an absent or disrupted protein product. Loss-of-function variants in MSH6 are known to be pathogenic (PMID: 18269114, 24362816). For these reasons, this variant has been classified as Pathogenic. Algorithms developed to predict the effect of sequence changes on RNA splicing suggest that this variant may create or strengthen a splice site, but this prediction has not been confirmed by published transcriptional studies. This variant has not been reported in the literature in individuals with MSH6-related conditions. This variant is not present in population databases (ExAC no frequency).

Literature cited by the submitters: PubMed 18269114; PubMed 24362816.